The following is an entry in ClinVar:

ClinVar aggregate classification (germline): Likely pathogenic. Review status: criteria provided, multiple submitters, no conflicts (2 of 4 stars). 2 submissions from 2 submitters: Likely pathogenic (2). Last evaluated 2025-08-27.

Conditions:
Imerslund-Grasbeck syndrome type 1 (IGS1). Also called: MEGALOBLASTIC ANEMIA, 1; Megaloblastic anemia 1, Finnish type; Imerslund-Gräsbeck syndrome 1. Identifiers: MedGen C4016819, MONDO:0100156, OMIM 261100.
Proteinuria, chronic benign. Identifiers: MedGen C5394384, MONDO:0030042, OMIM 618884.
Autosomal recessive CUBN-related disorders.

Submissions (2):

Variantyx, Inc.
Classification: Likely pathogenic for Autosomal recessive CUBN-related disorders. Last evaluated: 2025-08-27. Review status: criteria provided, single submitter. Criteria: Variantyx Assertion Criteria 2022. Collection method: clinical testing. Allele origin: germline. Inheritance: Autosomal recessive inheritance. Affected: no.
Comment: This is a frameshift variant in the CUBN gene (OMIM: 602997). Pathogenic variants in this gene have been associated with autosomal recessive CUBN-related disorders. (PMID:10080186) This variant introduces a premature termination codon in exon 60 out of 67 and is expected to result in loss of function, which is a known disease mechanism for CUBN in this disorder (PVS1). This variant has a 0.0022% maximum allele frequency in non-founder control populations (PM2). Based on the current evidence, this variant is classified as likely pathogenic for autosomal recessive CUBN-related disorders.

Fulgent Genetics
Classification: Likely pathogenic for Imerslund-Grasbeck syndrome type 1; Proteinuria, chronic benign. Last evaluated: 2024-05-20. Review status: criteria provided, single submitter. Criteria: ACMG Guidelines, 2015. Collection method: clinical testing. Allele origin: germline.

Literature cited by the submitters: PubMed 10080186 (cited by Variantyx, Inc.).

NM_001081.4(CUBN):c.9612del (p.Phe3204fs)

Gene: CUBN (cubilin; minus strand). Cytogenetic location: 10p13.
Variant type: Deletion.
Coding change: c.9612del on transcript NM_001081.4 (MANE Select); coding-DNA position 9612, one base deleted (T; older notation c.9612delT).
Protein change: p.Phe3204fs; shifts the reading frame from phenylalanine 3204.
Molecular consequence: frameshift variant.
Genome position (GRCh38, 1-based): chr10:16,851,286, A deleted on the plus strand (T on the coding strand, the reverse complement: CUBN is on the minus strand); the first of 3 consecutive A bases (chr10:16,851,286-16,851,288); deleting any one gives the same sequence. VCF-style (leftmost placement, unchanged base first): chr10-16851285-CA-C. GRCh37 (hg19) VCF-style: chr10-16893284-CA-C.
Other names: short protein forms F3204fs.
Identifiers: ClinVar variation 3591775 (VCV003591775.1).